The following is an entry in ClinVar:

ClinVar aggregate classification (germline): Pathogenic (1 of 4 stars; one submission).

Conditions:
Intellectual developmental disorder, X-linked 1. Also called: MENTAL RETARDATION, X-LINKED 18; MENTAL RETARDATION, X-LINKED 78; Atkin Flaitz Patil Smith syndrome; Intellectual disability, X-linked 1. Identifiers: Orphanet 777, MedGen C2931498, MONDO:0010656, OMIM 309530.

Submission:

Labcorp Genetics (formerly Invitae), Labcorp
Classification: Pathogenic for Intellectual developmental disorder, X-linked 1. Last evaluated: 2018-12-07. Review status: criteria provided, single submitter. Criteria: Invitae Variant Classification Sherloc (09022015). Collection method: clinical testing. Allele origin: germline.
Comment: This sequence change creates a premature translational stop signal (p.Gly181Alafs*25) in the IQSEC2 gene. It is expected to result in an absent or disrupted protein product. The frequency data for this variant in the population databases is considered unreliable, as metrics indicate insufficient coverage at this position in the ExAC database. For these reasons, this variant has been classified as Pathogenic. Loss-of-function variants in IQSEC2 are known to be pathogenic (PMID: 21686261, 26793055, 27665735). This variant has not been reported in the literature in individuals with IQSEC2-related conditions.

Literature cited by the submitters: PubMed 21686261; PubMed 26793055; PubMed 27665735.

NM_001111125.3(IQSEC2):c.542del (p.Gly181fs)

Gene: IQSEC2 (IQ motif and Sec7 domain ArfGEF 2; minus strand). Cytogenetic location: Xp11.22.
Variant type: Deletion.
Coding change: c.542del on transcript NM_001111125.3 (MANE Select); coding-DNA position 542, one base deleted (G; older notation c.542delG).
Protein change: p.Gly181fs; shifts the reading frame from glycine 181.
Molecular consequence: frameshift variant.
Genome position (GRCh38, 1-based): chrX:53,320,582, C deleted on the plus strand (G on the coding strand, the reverse complement: IQSEC2 is on the minus strand); the first of 3 consecutive C bases (chrX:53,320,582-53,320,584); deleting any one gives the same sequence. VCF-style (leftmost placement, unchanged base first): chrX-53320581-GC-G. GRCh37 (hg19) VCF-style: chrX-53349779-GC-G.
Other names: c.542delG (NM_001111125.2); short protein forms G181fs.
Identifiers: ClinVar variation 655036 (VCV000655036.7), dbSNP rs1602383045, ClinGen allele CA915951110.